The following is an entry in ClinVar:

NM_024642.5(GALNT12):c.797A>G (p.Glu266Gly)

Gene: GALNT12 (polypeptide N-acetylgalactosaminyltransferase 12; plus strand). Cytogenetic location: 9q22.33.
Variant type: single nucleotide variant.
Coding change: c.797A>G on transcript NM_024642.5 (MANE Select); coding-DNA position 797, A replaced by G.
Protein change: p.Glu266Gly; replaces glutamic acid 266 with glycine.
Molecular consequence: missense variant.
Genome position (GRCh38, 1-based): chr9:98,831,837, A>G. VCF-style: chr9-98831837-A-G. GRCh37 (hg19) VCF-style: chr9-101594119-A-G.
Other names: short protein forms E266G.
Identifiers: ClinVar variation 1026743 (VCV001026743.12), dbSNP rs1454775771, ClinGen allele CA374218030.

ClinVar aggregate classification (germline): Uncertain significance. Review status: criteria provided, multiple submitters, no conflicts (2 of 4 stars). 3 submissions from 3 submitters: Uncertain significance (3). Last evaluated 2024-03-27.

Conditions:
Colorectal cancer, susceptibility to, 1. Also called: COLORECTAL ADENOMA AND CANCER, SUSCEPTIBILITY TO; COLORECTAL CANCER, SUSCEPTIBILITY TO, ON CHROMOSOME 9. Identifiers: MedGen C1837315, MONDO:0012132, OMIM 608812.

Allele frequency attached by ClinVar (database versions not stated): gnomAD exomes below 0.00001.

Submissions (3):

Baylor Genetics
Classification: Uncertain significance for Colorectal cancer, susceptibility to, 1. Last evaluated: 2024-03-27. Review status: criteria provided, single submitter. Criteria: ACMG Guidelines, 2015. Collection method: clinical testing. Allele origin: unknown.

Ambry Genetics
Classification: Uncertain significance. Last evaluated: 2023-06-25. Review status: criteria provided, single submitter. Criteria: Ambry Variant Classification Scheme 2023. Collection method: clinical testing. Allele origin: germline.
Comment: The p.E266G variant (also known as c.797A>G), located in coding exon 4 of the GALNT12 gene, results from an A to G substitution at nucleotide position 797. The glutamic acid at codon 266 is replaced by glycine, an amino acid with similar properties. This amino acid position is well conserved in available vertebrate species. In addition, the in silico prediction for this alteration is inconclusive. Since supporting evidence is limited at this time, the clinical significance of this alteration remains unclear.

Labcorp Genetics (formerly Invitae), Labcorp
Classification: Uncertain significance. Last evaluated: 2022-11-02. Review status: criteria provided, single submitter. Criteria: Invitae Variant Classification Sherloc (09022015). Collection method: clinical testing. Allele origin: germline.
Comment: ClinVar contains an entry for this variant (Variation ID: 1026743). This variant has not been reported in the literature in individuals affected with GALNT12-related conditions. This variant is present in population databases (no rsID available, gnomAD 0.006%). This sequence change replaces glutamic acid, which is acidic and polar, with glycine, which is neutral and non-polar, at codon 266 of the GALNT12 protein (p.Glu266Gly). Advanced modeling of protein sequence and biophysical properties (such as structural, functional, and spatial information, amino acid conservation, physicochemical variation, residue mobility, and thermodynamic stability) performed at Invitae indicates that this missense variant is not expected to disrupt GALNT12 protein function. In summary, the available evidence is currently insufficient to determine the role of this variant in disease. Therefore, it has been classified as a Variant of Uncertain Significance.